The following is an entry in ClinVar:

ClinVar aggregate classification (germline): Pathogenic (1 of 4 stars; one submission).

Conditions:
Glucose-6-phosphate transport defect (GSD1B). Also called: Glycogen Storage Disease Type Ib; GSD Ib. Identifiers: Orphanet 364, Orphanet 79259, MedGen C0268146, MONDO:0009288, OMIM 232220.

Submission:

Labcorp Genetics (formerly Invitae), Labcorp
Classification: Pathogenic for Glucose-6-phosphate transport defect. Last evaluated: 2023-02-08. Review status: criteria provided, single submitter. Criteria: Invitae Variant Classification Sherloc (09022015). Collection method: clinical testing. Allele origin: germline.
Comment: This sequence change creates a premature translational stop signal (p.Cys404*) in the SLC37A4 gene. While this is not anticipated to result in nonsense mediated decay, it is expected to disrupt the last 26 amino acid(s) of the SLC37A4 protein. This variant is not present in population databases (gnomAD no frequency). For these reasons, this variant has been classified as Pathogenic. This variant disrupts a region of the SLC37A4 protein in which other variant(s) (p.Arg415*) have been determined to be pathogenic (PMID: 10931421, 15059622, 21575371). This suggests that this is a clinically significant region of the protein, and that variants that disrupt it are likely to be disease-causing. This variant has not been reported in the literature in individuals affected with SLC37A4-related conditions.

Literature cited by the submitters: PubMed 10931421; PubMed 15059622; PubMed 21575371.

NM_001164277.2(SLC37A4):c.1212T>A (p.Cys404Ter)

Gene: SLC37A4 (solute carrier family 37 member 4; minus strand). Cytogenetic location: 11q23.3.
Variant type: single nucleotide variant.
Coding change: c.1212T>A on transcript NM_001164277.2 (MANE Select); coding-DNA position 1212, T replaced by A.
Protein change: p.Cys404Ter; replaces cysteine 404 with a stop codon.
Molecular consequence: nonsense.
Genome position (GRCh38, 1-based): chr11:119,024,988, A>T on the plus strand (T>A on the coding strand, the complement: SLC37A4 is on the minus strand). VCF-style: chr11-119024988-A-T. GRCh37 (hg19) VCF-style: chr11-118895698-A-T.
Other names: c.1278T>A, p.Cys426Ter (NM_001164278.2); c.993T>A, p.Cys331Ter (NM_001164279.2); c.1212T>A, p.Cys404Ter (NM_001164280.2, NM_001467.6); short protein forms C404*, C331*, C426*.
Identifiers: ClinVar variation 2835376 (VCV002835376.3), dbSNP rs2497010017, ClinGen allele CA382893996.